The following is an entry in ClinVar:

NM_001363118.2(SLC52A2):c.919C>T (p.Arg307Cys)

Gene: SLC52A2 (solute carrier family 52 member 2; plus strand). Cytogenetic location: 8q24.3.
Variant type: single nucleotide variant.
Coding change: c.919C>T on transcript NM_001363118.2 (MANE Select); coding-DNA position 919, C replaced by T.
Protein change: p.Arg307Cys; replaces arginine 307 with cysteine.
Molecular consequence: missense variant. On other transcripts: non-coding transcript variant (1).
Genome position (GRCh38, 1-based): chr8:144,360,411, C>T. VCF-style: chr8-144360411-C-T. GRCh37 (hg19) VCF-style: chr8-145584071-C-T.
Other names: c.919C>T, p.Arg307Cys (NM_001253815.2, NM_001253816.2, NM_001363120.2 and 2 more transcripts); c.427C>T, p.Arg143Cys (NM_001363122.2); short protein forms R143C, R307C.
Identifiers: ClinVar variation 1016549 (VCV001016549.5), dbSNP rs781996408, ClinGen allele CA4938313.
Genomic context (GRCh38, chr8:144,360,411, plus strand): 5'-AACGCGCTGACCAATGGCGTGCTGCCTGCCGTGCAGAGCTTTTCCTGCTTACCCTACGGG[C>T]GTCTGGCCTACCACCTGGCTGTGGTGCTGGGCAGTGCTGCCAATCCCCTGGCCTGCTTCC-3'
Protein context (NP_001350047.1, residues 297-317): VQSFSCLPYG[Arg307Cys]LAYHLAVVLG

ClinVar aggregate classification (germline): Uncertain significance (1 of 4 stars; one submission).

Conditions:
Brown-Vialetto-van Laere syndrome 2. Also called: Riboflavin transporter deficiency type 2; SPINOCEREBELLAR ATAXIA WITH BLINDNESS AND DEAFNESS 2. Identifiers: Orphanet 572543, Orphanet 97229, MedGen C3553538, MONDO:0013867, OMIM 614707.

Allele frequency attached by ClinVar (database versions not stated): gnomAD exomes 0.00001 and below 0.00001; ExAC 0.00001; gnomAD 0.00001.

Submission:

Labcorp Genetics (formerly Invitae), Labcorp
Classification: Uncertain significance for Brown-Vialetto-van Laere syndrome 2. Last evaluated: 2020-05-20. Review status: criteria provided, single submitter. Criteria: Invitae Variant Classification Sherloc (09022015). Collection method: clinical testing. Allele origin: germline.
Comment: This variant is present in population databases (rs781996408, ExAC 0.01%). In summary, the available evidence is currently insufficient to determine the role of this variant in disease. Therefore, it has been classified as a Variant of Uncertain Significance. Algorithms developed to predict the effect of missense changes on protein structure and function are either unavailable or do not agree on the potential impact of this missense change (SIFT: "Deleterious"; PolyPhen-2: "Probably Damaging"; Align-GVGD: "Class C15"). This variant has not been reported in the literature in individuals with SLC52A2-related conditions. This sequence change replaces arginine with cysteine at codon 307 of the SLC52A2 protein (p.Arg307Cys). The arginine residue is moderately conserved and there is a large physicochemical difference between arginine and cysteine.